The following is an entry in ClinVar:

ClinVar aggregate classification (germline): Pathogenic (1 of 4 stars; one submission).

Conditions:
Familial thoracic aortic aneurysm and aortic dissection (TAAD). Also called: Thoracic aortic aneurysms and dissections. Identifiers: Orphanet 91387, MedGen C4707243, MONDO:0019625.

Submission:

Ambry Genetics
Classification: Pathogenic for Familial thoracic aortic aneurysm and aortic dissection. Last evaluated: 2025-06-16. Review status: criteria provided, single submitter. Criteria: Ambry Variant Classification Scheme 2023. Collection method: clinical testing. Allele origin: germline.
Comment: The c.900delG pathogenic mutation, located in coding exon 5 of the TGFB2 gene, results from a deletion of one nucleotide at nucleotide position 900, causing a translational frameshift with a predicted alternate stop codon (p.K301Sfs*30). This variant is considered to be rare based on population cohorts in the Genome Aggregation Database (gnomAD). This alteration is expected to result in loss of function by premature protein truncation or nonsense-mediated mRNA decay. As such, this alteration is interpreted as a disease-causing mutation.

NM_003238.6(TGFB2):c.900del (p.Lys301fs)

Gene: TGFB2 (transforming growth factor beta 2; plus strand). Cytogenetic location: 1q41.
Variant type: Deletion.
Coding change: c.900del on transcript NM_003238.6 (MANE Select); coding-DNA position 900, one base deleted (G; older notation c.900delG).
Protein change: p.Lys301fs; shifts the reading frame from lysine 301.
Molecular consequence: frameshift variant. On other transcripts: non-coding transcript variant (2).
Genome position (GRCh38, 1-based): chr1:218,436,115, G deleted. VCF-style (leftmost placement, unchanged base first): chr1-218436114-AG-A. GRCh37 (hg19) VCF-style: chr1-218609456-AG-A.
Other names: c.984del, p.Lys329fs (NM_001135599.4); short protein forms K301fs, K329fs.
Identifiers: ClinVar variation 4183540 (VCV004183540.1).